The following is an entry in ClinVar:

NM_000368.5(TSC1):c.219G>T (p.Leu73Phe)

Gene: TSC1 (TSC complex subunit 1; minus strand). Cytogenetic location: 9q34.13.
Variant type: single nucleotide variant.
Coding change: c.219G>T on transcript NM_000368.5 (MANE Select); coding-DNA position 219, G replaced by T.
Protein change: p.Leu73Phe; replaces leucine 73 with phenylalanine.
Molecular consequence: missense variant. On other transcripts: intron variant (5), non-coding transcript variant (5), 5 prime UTR variant (18).
Genome position (GRCh38, 1-based): chr9:132,925,731, C>A on the plus strand (G>T on the coding strand, the complement: TSC1 is on the minus strand). VCF-style: chr9-132925731-C-A. GRCh37 (hg19) VCF-style: chr9-135801118-C-A.
Other names: c.219G>T, p.Leu73Phe (NM_001406593.1, NM_001406594.1, NM_001406595.1 and 16 more transcripts); c.210+1470G>T (NM_001162427.2, NM_001406613.1, NM_001406612.1 and 2 more transcripts); c.-145G>T (NM_001362177.2, NM_001406617.1, NM_001406618.1 and 5 more transcripts); c.-270G>T (NM_001406623.1, NM_001406615.1); c.-237G>T (NM_001406624.1, NM_001406614.1, NM_001406616.1); c.-659G>T (NM_001406626.1, NM_001406627.1, NM_001406628.1); c.-801G>T (NM_001406629.1); c.-875G>T (NM_001406630.1); short protein forms L73F.
Identifiers: ClinVar variation 4866020 (VCV004866020.1).
Genomic context (GRCh38, chr9:132,925,731, plus strand): 5'-CAGTAACGAGAGGATGGATAAACGAGTGGCGGCTTTGCCCACATATTCGTTAATCCTGTC[C>A]AAGAGGTGCTGAAAATGTAAAAGAACAAGGGCAGTCCTCACATGAATGTATGAAGTTAAC-3'
Protein context (NP_000359.1, residues 63-83): TLQEPHDKHL[Leu73Phe]DRINEYVGKA

ClinVar aggregate classification (germline): Uncertain significance (1 of 4 stars; one submission).

Conditions:
Hereditary cancer-predisposing syndrome. Also called: Neoplastic Syndromes, Hereditary; Tumor predisposition; Hereditary Cancer Syndrome; Hereditary neoplastic syndrome. Identifiers: Orphanet 140162, MedGen C0027672, MeSH D009386, MONDO:0015356.

Submission:

Ambry Genetics
Classification: Uncertain significance for Hereditary cancer-predisposing syndrome. Last evaluated: 2026-04-02. Review status: criteria provided, single submitter. Criteria: Ambry Variant Classification Scheme 2023. Collection method: clinical testing. Allele origin: germline.
Comment: The p.L73F variant (also known as c.219G>T), located in coding exon 3 of the TSC1 gene, results from a G to T substitution at nucleotide position 219. The leucine at codon 73 is replaced by phenylalanine, an amino acid with highly similar properties. This amino acid position is conserved. In addition, this alteration is predicted to be tolerated by in silico analysis. Based on the available evidence, the clinical significance of this variant remains unclear.